The following is an entry in ClinVar:

ClinVar aggregate classification (germline): Likely benign. Review status: criteria provided, single submitter (1 of 4 stars). 2 submissions from 2 submitters: Likely benign (1). 1 of the submissions does not count toward it. Last evaluated 2022-03-10.

Conditions:
NEUROD1-related disorder. Also called: NEUROD1-related condition.

Allele frequency attached by ClinVar (database versions not stated): gnomAD exomes below 0.00001 and 0.00001.
gnomAD v4.1: 6 of 1,614,196 alleles (0.00037%); highest among the groups gnomAD compares: Middle Eastern, 0.016%; no homozygotes.

Submissions (2):

Labcorp Genetics (formerly Invitae), Labcorp
Classification: Likely benign. Last evaluated: 2022-03-10. Review status: criteria provided, single submitter. Criteria: Invitae Variant Classification Sherloc (09022015). Collection method: clinical testing. Allele origin: germline.

PreventionGenetics, part of Exact Sciences
Classification: Likely benign for NEUROD1-related condition. Last evaluated: 2024-02-01. Review status: no assertion criteria provided. Collection method: clinical testing. Allele origin: germline. Not counted in ClinVar's aggregate classification.
Comment: This variant is classified as likely benign based on ACMG/AMP sequence variant interpretation guidelines (Richards et al. 2015 PMID: 25741868, with internal and published modifications).

NM_002500.5(NEUROD1):c.513G>T (p.Thr171=)

Gene: NEUROD1 (neuronal differentiation 1; minus strand). Cytogenetic location: 2q31.3.
Variant type: single nucleotide variant.
Coding change: c.513G>T on transcript NM_002500.5 (MANE Select); coding-DNA position 513, G replaced by T.
Protein change: p.Thr171=; no amino-acid change (threonine 171 retained).
Molecular consequence: synonymous variant.
Genome position (GRCh38, 1-based): chr2:181,678,348, C>A on the plus strand (G>T on the coding strand, the complement: NEUROD1 is on the minus strand). VCF-style: chr2-181678348-C-A. GRCh37 (hg19) VCF-style: chr2-182543075-C-A.
Other names: c.513G>T (NM_002500.4).
Identifiers: ClinVar variation 1136537 (VCV001136537.12), dbSNP rs1313105572, ClinGen allele CA430519975.
Genomic context (GRCh38, chr2:181,678,348, plus strand): 5'-ATTGAGTTGCAGGCAGCCCGCAACCAGGTTGGTGGTGGGTTGGGATAAGCCCTTGCAAAG[C>A]GTCTGAACGAAGGAGACCAGGTCTGGGCTTTTGCCTGAGCGCAGGATCTCCGACAGAGCC-3'
Protein context (NP_002491.3, residues 161-181): KSPDLVSFVQ[Thr171=]LCKGLSQPTT